The following is an entry in ClinVar:

ClinVar aggregate classification (germline): Uncertain significance (1 of 4 stars; one submission).

Conditions:
Inborn genetic diseases. Identifiers: MedGen C0950123, MeSH D030342.

Submission:

Ambry Genetics
Classification: Uncertain significance for Inborn genetic diseases. Last evaluated: 2025-05-21. Review status: criteria provided, single submitter. Criteria: Ambry Variant Classification Scheme 2023. Collection method: clinical testing. Allele origin: germline.
Comment: The p.H352Q variant (also known as c.1056C>A), located in coding exon 12 of the FANCA gene, results from a C to A substitution at nucleotide position 1056. The histidine at codon 352 is replaced by glutamine, an amino acid with highly similar properties. This amino acid position is conserved. In addition, this alteration is predicted to be tolerated by in silico analysis. Based on the available evidence, the clinical significance of this variant remains unclear.

NM_000135.4(FANCA):c.1056C>A (p.His352Gln)

Gene: FANCA (FA complementation group A; minus strand). Cytogenetic location: 16q24.3.
Variant type: single nucleotide variant.
Coding change: c.1056C>A on transcript NM_000135.4 (MANE Select); coding-DNA position 1056, C replaced by A.
Protein change: p.His352Gln; replaces histidine 352 with glutamine.
Molecular consequence: missense variant.
Genome position (GRCh38, 1-based): chr16:89,792,498, G>T on the plus strand (C>A on the coding strand, the complement: FANCA is on the minus strand). VCF-style: chr16-89792498-G-T. GRCh37 (hg19) VCF-style: chr16-89858906-G-T.
Other names: c.1056C>A, p.His352Gln (NM_001286167.3); short protein forms H352Q.
Identifiers: ClinVar variation 4022291 (VCV004022291.1).